The following is an entry in ClinVar:

ClinVar aggregate classification (germline): Pathogenic/Likely pathogenic. Review status: criteria provided, multiple submitters, no conflicts (2 of 4 stars). 2 submissions from 2 submitters: Pathogenic (1); Likely pathogenic (1). Last evaluated 2024-11-28.

Conditions:
BEST1-related disorder. Also called: BEST1-related disorders; BEST1-related condition. Identifiers: MedGen CN239200.

Submissions (2):

3billion
Classification: Likely pathogenic for BEST1-related disorder. Last evaluated: 2024-11-28. Review status: criteria provided, single submitter. Criteria: ACMG Guidelines, 2015. Collection method: clinical testing. Allele origin: germline. Affected: yes.
Comment: The variant is not observed in the gnomAD v4.1.0 dataset. Predicted Consequence/Location: The variant is located in a mutational hot spot and/or well-established functional domain in which established pathogenic variants have been reported. In silico tool predictions suggest damaging effect of the variant on gene or gene product [REVEL: 0.85 (>=0.6, sensitivity 0.68 and specificity 0.92); 3Cnet: 0.96 (>=0.6, sensitivity 0.72 and precision 0.9)]. The same nucleotide change resulting in the same amino acid change has been previously reported to be associated with BEST1 related disorder (ClinVar ID: VCV001455383 /PMID: 17287362).A different missense change at the same codon (p.Gln293Lys) has been reported as pathogenic/likely pathogenic with strong evidence (ClinVar ID: VCV000099758 /PMID: 10394929).The variant has been previously reported as assumed (i.e. paternity and maternity not confirmed) de novo in at least one similarly affected unrelated individual (PMID: 25489231). Therefore, this variant is classified as Likely pathogenic according to the recommendation of ACMG/AMP guideline.

Labcorp Genetics (formerly Invitae), Labcorp
Classification: Pathogenic. Last evaluated: 2022-03-27. Review status: criteria provided, single submitter. Criteria: Invitae Variant Classification Sherloc (09022015). Collection method: clinical testing. Allele origin: germline.
Comment: This sequence change replaces glutamine, which is neutral and polar, with histidine, which is basic and polar, at codon 293 of the BEST1 protein (p.Gln293His). This variant is not present in population databases (gnomAD no frequency). For these reasons, this variant has been classified as Pathogenic. Advanced modeling of protein sequence and biophysical properties (such as structural, functional, and spatial information, amino acid conservation, physicochemical variation, residue mobility, and thermodynamic stability) performed at Invitae indicates that this missense variant is expected to disrupt BEST1 protein function. This missense change has been observed in individuals with autosomal dominant Best vitelliform macular dystrophy (PMID: 17287362, 25489231). It has also been observed to segregate with disease in related individuals.

Literature cited by the submitters: PubMed 10394929 (cited by 3billion); PubMed 17287362 (cited by 3billion and Labcorp Genetics (formerly Invitae), Labcorp); PubMed 25489231 (cited by Labcorp Genetics (formerly Invitae), Labcorp).

NM_004183.4(BEST1):c.879G>C (p.Gln293His)

Gene: BEST1 (bestrophin 1; plus strand). Cytogenetic location: 11q12.3.
Variant type: single nucleotide variant.
Coding change: c.879G>C on transcript NM_004183.4 (MANE Select); coding-DNA position 879, G replaced by C.
Protein change: p.Gln293His; replaces glutamine 293 with histidine.
Molecular consequence: missense variant. On other transcripts: non-coding transcript variant (1), intron variant (1).
Genome position (GRCh38, 1-based): chr11:61,959,509, G>C. VCF-style: chr11-61959509-G-C. GRCh37 (hg19) VCF-style: chr11-61726981-G-C.
Other names: c.-94G>C (NM_001363593.3); c.688-383G>C (NM_001300786.2); c.699G>C, p.Gln233His (NM_001139443.3, NM_001300787.2); c.561G>C, p.Gln187His (NM_001363591.3); c.1082G>C, p.Ser361Thr (NM_001363592.2); short protein forms Q187H, S361T, Q233H, Q293H.
Identifiers: ClinVar variation 1455383 (VCV001455383.9), dbSNP rs2134453127, ClinGen allele CA380843668.